The following is an entry in ClinVar:

ClinVar aggregate classification (germline): Uncertain significance. Review status: criteria provided, multiple submitters, no conflicts (2 of 4 stars). 4 submissions from 4 submitters: Uncertain significance (3). 1 of the submissions does not count toward it. Last evaluated 2025-09-16.

Conditions:
Inborn genetic diseases. Identifiers: MedGen C0950123, MeSH D030342.
Spondylocostal dysostosis 2, autosomal recessive (SCDO2). Also called: MESP2-Related Spondylocostal Dysostosis, Autosomal Recessive; Spondylocostal dysostosis type 2. Identifiers: Orphanet 2311, MedGen C1837549, MONDO:0012097, OMIM 608681.

Allele frequency attached by ClinVar (database versions not stated): TOPMed 0.00003; gnomAD 0.00006; 1000 Genomes Project 30x 0.00016.

Submissions (4):

Labcorp Genetics (formerly Invitae), Labcorp
Classification: Uncertain significance. Last evaluated: 2025-09-16. Review status: criteria provided, single submitter. Criteria: Invitae Variant Classification Sherloc (09022015). Collection method: clinical testing. Allele origin: germline.
Comment: This sequence change replaces arginine, which is basic and polar, with leucine, which is neutral and non-polar, at codon 73 of the MESP2 protein (p.Arg73Leu). This variant is present in population databases (rs771745973, gnomAD 0.01%). This variant has not been reported in the literature in individuals affected with MESP2-related conditions. ClinVar contains an entry for this variant (Variation ID: 887534). Invitae Evidence Modeling of protein sequence and biophysical properties (such as structural, functional, and spatial information, amino acid conservation, physicochemical variation, residue mobility, and thermodynamic stability) has been performed for this missense variant. However, the output from this modeling did not meet the statistical confidence thresholds required to predict the impact of this variant on MESP2 protein function. In summary, the available evidence is currently insufficient to determine the role of this variant in disease. Therefore, it has been classified as a Variant of Uncertain Significance.

Ambry Genetics
Classification: Uncertain significance for Inborn genetic diseases. Last evaluated: 2024-06-07. Review status: criteria provided, single submitter. Criteria: Ambry Variant Classification Scheme 2023. Collection method: clinical testing. Allele origin: germline.

Illumina Laboratory Services, Illumina
Classification: Uncertain significance for Spondylocostal dysostosis 2, autosomal recessive. Last evaluated: 2018-01-12. Review status: criteria provided, single submitter. Criteria: ICSL Variant Classification Criteria 13 December 2019. Collection method: clinical testing. Allele origin: germline.

Natera, Inc.
Classification: Uncertain significance for Spondylocostal dysostosis type 2. Last evaluated: 2020-04-23. Review status: no assertion criteria provided. Collection method: clinical testing. Allele origin: germline. Not counted in ClinVar's aggregate classification.

NM_001039958.2(MESP2):c.218G>T (p.Arg73Leu)

Gene: MESP2 (mesoderm posterior bHLH transcription factor 2; plus strand). Cytogenetic location: 15q26.1.
Variant type: single nucleotide variant.
Coding change: c.218G>T on transcript NM_001039958.2 (MANE Select); coding-DNA position 218, G replaced by T.
Protein change: p.Arg73Leu; replaces arginine 73 with leucine.
Molecular consequence: missense variant.
Genome position (GRCh38, 1-based): chr15:89,776,575, G>T. VCF-style: chr15-89776575-G-T. GRCh37 (hg19) VCF-style: chr15-90319806-G-T.
Other names: short protein forms R73L.
Identifiers: ClinVar variation 887534 (VCV000887534.11), dbSNP rs771745973, ClinGen allele CA7730370.